The following is an entry in ClinVar:

ClinVar aggregate classification (germline): Uncertain significance. Review status: criteria provided, single submitter (1 of 4 stars). 2 submissions from 2 submitters: Uncertain significance (1). 1 of the submissions does not count toward it. Last evaluated 2022-12-23.

Conditions:
NOTCH2-related disorder. Also called: NOTCH2-related condition.
Hajdu-Cheney syndrome (HJCYS). Also called: ACROOSTEOLYSIS WITH OSTEOPOROSIS AND CHANGES IN SKULL AND MANDIBLE; SERPENTINE FIBULA-POLYCYSTIC KIDNEY SYNDROME; Acroosteolysis dominant type. Identifiers: Orphanet 955, MedGen C0917715, MONDO:0007057, OMIM 102500.

Allele frequency attached by ClinVar (database versions not stated): gnomAD exomes below 0.00001; gnomAD 0.00001.
gnomAD v4.1: 7 of 1,613,870 alleles (0.00043%); highest among the groups gnomAD compares: South Asian, 0.0022%; no homozygotes.

Submissions (2):

Labcorp Genetics (formerly Invitae), Labcorp
Classification: Uncertain significance for Hajdu-Cheney syndrome. Last evaluated: 2022-12-23. Review status: criteria provided, single submitter. Criteria: Invitae Variant Classification Sherloc (09022015). Collection method: clinical testing. Allele origin: germline.
Comment: In summary, the available evidence is currently insufficient to determine the role of this variant in disease. Therefore, it has been classified as a Variant of Uncertain Significance. Algorithms developed to predict the effect of missense changes on protein structure and function (SIFT, PolyPhen-2, Align-GVGD) all suggest that this variant is likely to be disruptive. This variant has not been reported in the literature in individuals affected with NOTCH2-related conditions. This variant is present in population databases (no rsID available, gnomAD 0.0008%). This sequence change replaces isoleucine, which is neutral and non-polar, with threonine, which is neutral and polar, at codon 339 of the NOTCH2 protein (p.Ile339Thr).

PreventionGenetics, part of Exact Sciences
Classification: Uncertain significance for NOTCH2-related condition. Last evaluated: 2024-05-29. Review status: no assertion criteria provided. Collection method: clinical testing. Allele origin: germline. Not counted in ClinVar's aggregate classification.
Comment: The NOTCH2 c.1016T>C variant is predicted to result in the amino acid substitution p.Ile339Thr. To our knowledge, this variant has not been reported in the literature. This variant is reported in 0.00078% of alleles in individuals of European (Non-Finnish) descent in gnomAD. At this time, the clinical significance of this variant is uncertain due to the absence of conclusive functional and genetic evidence.

NM_024408.4(NOTCH2):c.1016T>C (p.Ile339Thr)

Gene: NOTCH2 (notch receptor 2; minus strand). Cytogenetic location: 1p12.
Variant type: single nucleotide variant.
Coding change: c.1016T>C on transcript NM_024408.4 (MANE Select); coding-DNA position 1016, T replaced by C.
Protein change: p.Ile339Thr; replaces isoleucine 339 with threonine.
Molecular consequence: missense variant.
Genome position (GRCh38, 1-based): chr1:119,969,603, A>G on the plus strand (T>C on the coding strand, the complement: NOTCH2 is on the minus strand). VCF-style: chr1-119969603-A-G. GRCh37 (hg19) VCF-style: chr1-120512226-A-G.
Other names: c.1016T>C (NM_024408.3); c.1016T>C, p.Ile339Thr (NM_001200001.2); short protein forms I339T.
Identifiers: ClinVar variation 2715687 (VCV002715687.4), dbSNP rs1350230048, ClinGen allele CA341882745.
Genomic context (GRCh38, chr1:119,969,603, plus strand): 5'-GAGGCCACACGGTCGATGCAGGTGGAGCCTGGAGTACAGGAGGCGAAGGCACAATCATCA[A>G]TGTTCTCACTGCAGTCATCTCCACTCCAGCCGTTGACACATACACAGCCATAGCCTCCAT-3'
Protein context (NP_077719.2, residues 329-349): GWSGDDCSEN[Ile339Thr]DDCAFASCTP